The following is an entry in ClinVar:

ClinVar aggregate classification (germline): Likely benign. Review status: criteria provided, multiple submitters, no conflicts (2 of 4 stars). 4 submissions from 4 submitters: Likely benign (4). Last evaluated 2026-01-30.

Allele frequency attached by ClinVar (database versions not stated): gnomAD exomes 0.00027 and 0.00054; ExAC 0.00081; gnomAD 0.00232 and 0.00239; TOPMed 0.00263; ESP Exome Variant Server 0.00331; 1000 Genomes Project 30x 0.00375; 1000 Genomes Project 0.00379.
gnomAD v4.1: 771 of 1,613,844 alleles (0.048%); highest among the groups gnomAD compares: African/African-American, 0.85%; 4 homozygotes.

Submissions (4):

Women's Health and Genetics/Laboratory Corporation of America, LabCorp
Classification: Likely benign. Last evaluated: 2026-01-30. Review status: criteria provided, single submitter. Criteria: LabCorp Variant Classification Summary - May 2015. Collection method: clinical testing. Allele origin: germline.
Comment: Variant summary: C6 c.848T>G (p.Ile283Ser) results in a non-conservative amino acid change in the encoded protein sequence. Algorithms developed to predict the effect of missense changes on protein structure and function are either unavailable or do not agree on the potential impact of this missense change. The variant allele was found at a frequency of 0.00054 in 251152 control chromosomes, predominantly at a frequency of 0.0077 within the African or African-American subpopulation in the gnomAD database, including 1 homozygotes. The observed variant frequency within African or African-American control individuals in the gnomAD database exceeds the estimated maximal expected allele frequency for disease-causing variants in C6. To our knowledge, no occurrence of c.848T>G in individuals affected with C6-related conditions and no experimental evidence demonstrating its impact on protein function have been reported. ClinVar contains an entry for this variant (Variation ID: 709778). Based on the evidence outlined above, the variant was classified as likely benign.

Labcorp Genetics (formerly Invitae), Labcorp
Classification: Likely benign. Last evaluated: 2026-01-23. Review status: criteria provided, single submitter. Criteria: Invitae Variant Classification Sherloc (09022015). Collection method: clinical testing. Allele origin: germline.

Blueprint Genetics
Classification: Likely benign. Last evaluated: 2024-09-23. Review status: criteria provided, single submitter. Criteria: ACMG Guidelines, 2015. Collection method: clinical testing. Allele origin: germline.

Breakthrough Genomics
Classification: Likely benign. Review status: criteria provided, single submitter. Criteria: ACMG Guidelines, 2015. Collection method: not provided. Allele origin: germline. Inheritance: Autosomal recessive inheritance. Affected: yes.

NM_000065.5(C6):c.848T>G (p.Ile283Ser)

Gene: C6 (complement C6; minus strand). Cytogenetic location: 5p13.1.
Variant type: single nucleotide variant.
Coding change: c.848T>G on transcript NM_000065.5 (MANE Select); coding-DNA position 848, T replaced by G.
Protein change: p.Ile283Ser; replaces isoleucine 283 with serine.
Molecular consequence: missense variant.
Genome position (GRCh38, 1-based): chr5:41,181,438, A>C on the plus strand (T>G on the coding strand, the complement: C6 is on the minus strand). VCF-style: chr5-41181438-A-C. GRCh37 (hg19) VCF-style: chr5-41181540-A-C.
Other names: c.848T>G, p.Ile283Ser (NM_001115131.4); short protein forms I283S.
Identifiers: ClinVar variation 709778 (VCV000709778.12), dbSNP rs142653101, ClinGen allele CA3252637.